The following is an entry in ClinVar:

NM_017777.4(MKS1):c.953_958del (p.Glu318_Val319del)

Gene: MKS1 (MKS transition zone complex subunit 1; minus strand). Cytogenetic location: 17q22.
Variant type: Deletion.
Coding change: c.953_958del on transcript NM_017777.4 (MANE Select); coding-DNA positions 953 to 958, 6 bases deleted (AGGTCG; older notation c.953_958delAGGTCG).
Protein change: p.Glu318_Val319del.
Molecular consequence: inframe deletion. On other transcripts: inframe indel (1).
Genome position (GRCh38, 1-based): chr17:58,210,980-58,210,985, CGACCT deleted on the plus strand (AGGTCG on the coding strand, the reverse complement: MKS1 is on the minus strand); deleting any 6 consecutive bases within chr17:58,210,980-58,210,986 gives the same sequence; the c. name uses the placement nearest the transcript's 3' end. VCF-style (leftmost placement, unchanged base first): chr17-58210979-CCGACCT-C. GRCh37 (hg19) VCF-style: chr17-56288340-CCGACCT-C.
Other names: c.953_958del6 (NM_017777.3); c.344_349del, p.Glu115_Val116del (NM_001321268.2); c.953_958del, p.Glu318_Val319del (NM_001321269.2, NM_001330397.2, NM_001411113.1).
Identifiers: ClinVar variation 4998670 (VCV004998670.1).

ClinVar aggregate classification (germline): Uncertain significance. Review status: criteria provided, multiple submitters, no conflicts (2 of 4 stars). 2 submissions from 2 submitters: Uncertain significance (2). Last evaluated 2025-08-26.

Conditions:
Ciliopathy. Also called: Ciliopathies. Identifiers: Orphanet 363250, MedGen C4277690, MONDO:0005308, MeSH D000072661.
MKS1-related disorder. Also called: MKS1-related disorders; MKS1-related condition. Identifiers: MedGen CN239382.

Submissions (2):

Myriad Genetics, Inc.
Classification: Uncertain significance for Ciliopathy. Last evaluated: 2025-08-26. Review status: criteria provided, single submitter. Criteria: Myriad Autosomal Dominant, Autosomal Recessive and X-Linked Classification Criteria (2023). Collection method: clinical testing. Allele origin: unknown.
Comment: NM_017777.3(MKS1):c.953_958del6(E318_V319del) is an in-frame deletion classified as a variant of uncertain significance in the context of MKS1-related disorders. E318_V319del has not been observed in cases with relevant disease. Relevant functional assessments of this variant are not available in the literature. E318_V319del has not been observed in referenced population frequency databases. In summary, there is insufficient evidence to classify NM_017777.3(MKS1):c.953_958del6(E318_V319del) as pathogenic or benign. Please note: this variant was assessed in the context of healthy population screening.

PreventionGenetics, part of Exact Sciences
Classification: Uncertain significance for MKS1-related condition. Last evaluated: 2025-02-08. Review status: criteria provided, single submitter. Criteria: ACMG Guidelines, 2015. Collection method: clinical testing. Allele origin: germline.
Comment: The MKS1 c.953_958del6 variant is predicted to result in an in-frame deletion (p.Glu318_Val319del). To our knowledge, this variant has not been reported in the literature or in a large population database (gnomAD), indicating this variant is rare. At this time, the clinical significance of this variant is uncertain due to the absence of conclusive functional and genetic evidence.